The following is an entry in ClinVar:

ClinVar aggregate classification (germline): Conflicting classifications of pathogenicity. Review status: criteria provided, conflicting classifications (1 of 4 stars). 6 submissions from 6 submitters: Uncertain significance (1); Likely benign (5). Last evaluated 2026-09-01.

Conditions:
PDYN-related disorder. Also called: PDYN-related condition.
Spinocerebellar ataxia type 23 (SCA23). Identifiers: Orphanet 101108, MedGen C1853250, MONDO:0012449, OMIM 610245.

Allele frequency attached by ClinVar (database versions not stated): 1000 Genomes Project 0.00020; gnomAD 0.00022; ESP Exome Variant Server 0.00023; TOPMed 0.00009; 1000 Genomes Project 30x 0.00016.
gnomAD v4.1: 173 of 1,614,122 alleles (0.011%); highest among the groups gnomAD compares: Non-Finnish European, 0.014%; no homozygotes.

Submissions (6):

CeGaT Center for Human Genetics Tuebingen
Classification: Likely benign. Last evaluated: 2026-09-01. Review status: criteria provided, single submitter. Criteria: CeGaT Center For Human Genetics Tuebingen Variant Classification Criteria Version 2. Collection method: clinical testing. Allele origin: germline. Affected: yes. Observed: 1 variant allele.
Comment: PDYN: BP4, BP7

Labcorp Genetics (formerly Invitae), Labcorp
Classification: Likely benign. Last evaluated: 2025-12-17. Review status: criteria provided, single submitter. Criteria: Invitae Variant Classification Sherloc (09022015). Collection method: clinical testing. Allele origin: germline.

PreventionGenetics, part of Exact Sciences
Classification: Likely benign for PDYN-related condition. Last evaluated: 2025-03-27. Review status: criteria provided, single submitter. Criteria: ACMG Guidelines, 2015. Collection method: clinical testing. Allele origin: germline.
Comment: This variant is classified as likely benign based on ACMG/AMP sequence variant interpretation guidelines (Richards et al. 2015 PMID: 25741868, with internal and published modifications).

Mayo Clinic Laboratories, Mayo Clinic
Classification: Likely benign. Last evaluated: 2025-01-29. Review status: criteria provided, single submitter. Criteria: ACMG Guidelines, 2015. Collection method: clinical testing. Allele origin: germline. Observed: 1 variant allele.
Comment: BS2, BP4, BP7

Athena Diagnostics
Classification: Likely benign. Last evaluated: 2023-10-04. Review status: criteria provided, single submitter. Criteria: Athena Diagnostics Criteria. Collection method: clinical testing. Allele origin: unknown.

Illumina Laboratory Services, Illumina
Classification: Uncertain significance for Spinocerebellar ataxia type 23. Last evaluated: 2018-01-13. Review status: criteria provided, single submitter. Criteria: ICSL Variant Classification Criteria 13 December 2019. Collection method: clinical testing. Allele origin: germline.

NM_024411.5(PDYN):c.691C>A (p.Arg231=)

Genes: PDYN (prodynorphin; minus strand), PDYN-AS1 (PDYN antisense RNA 1; plus strand). Cytogenetic location: 20p13.
Variant type: single nucleotide variant.
Coding change: c.691C>A on transcript NM_024411.5 (MANE Select); coding-DNA position 691, C replaced by A.
Protein change: p.Arg231=; no amino-acid change (arginine 231 retained).
Molecular consequence: synonymous variant.
Genome position (GRCh38, 1-based): chr20:1,980,397, G>T on the plus strand (C>A on the coding strand, the complement: PDYN is on the minus strand). VCF-style: chr20-1980397-G-T. GRCh37 (hg19) VCF-style: chr20-1961043-G-T.
Other names: p.Arg231=; c.691C>A, p.Arg231= (NM_001190892.1, NM_001190898.3, NM_001190899.2 and 1 more transcripts).
Identifiers: ClinVar variation 586213 (VCV000586213.17), dbSNP rs201204862, ClinGen allele CA9730227.